The following is an entry in ClinVar:

NM_198253.3(TERT):c.219+2T>A

Genes: TERT (telomerase reverse transcriptase; minus strand), LOC110806263 (TERT 5' regulatory region; plus strand). Cytogenetic location: 5p15.33.
Variant type: single nucleotide variant.
Coding change: c.219+2T>A on transcript NM_198253.3 (MANE Select); the canonical splice donor site of the intron after coding-DNA position 219, T replaced by A.
Molecular consequence: splice donor variant.
Genome position (GRCh38, 1-based): chr5:1,294,769, A>T on the plus strand (T>A on the coding strand, the complement: TERT is on the minus strand). VCF-style: chr5-1294769-A-T. GRCh37 (hg19) VCF-style: chr5-1294884-A-T.
Other names: c.219+2T>A (NM_001193376.3, NM_198253.2).
Identifiers: ClinVar variation 3240577 (VCV003240577.2), dbSNP rs2126691326.
Genomic context (GRCh38, chr5:1,294,769, plus strand): 5'-TGTCGCTGGTTCCCCCCGGCCGCCCTCAACCCCAGCCGGACGCCGACCCCGGGGAGGCCC[A>T]CCTGGCGGAAGGAGGGGGCGGCGGGGGGCGGCCGTGCGTCCCAGGGCACGCACACCAGGC-3'

ClinVar aggregate classification (germline): Likely pathogenic. Review status: criteria provided, multiple submitters, no conflicts (2 of 4 stars). 2 submissions from 2 submitters: Likely pathogenic (2). Last evaluated 2025-03-06.

Conditions:
Dyskeratosis congenita, autosomal dominant 2. Identifiers: MedGen C3151443, MONDO:0013521, OMIM 613989.
Dyskeratosis congenita. Identifiers: Orphanet 1775, MedGen C0265965, MONDO:0015780.

Allele frequency attached by ClinVar (database versions not stated): gnomAD exomes below 0.00001.
gnomAD v4.1: 1 of 1,542,082 alleles (0.000065%); highest among the groups gnomAD compares: Non-Finnish European, 0.000087%; no homozygotes.

Submissions (2):

Ambry Genetics
Classification: Likely pathogenic for Dyskeratosis congenita. Last evaluated: 2025-03-06. Review status: criteria provided, single submitter. Criteria: Ambry Variant Classification Scheme 2023. Collection method: clinical testing. Allele origin: germline.
Comment: The c.219+2T>A intronic variant results from a T to A substitution two nucleotides after coding exon 1 in the TERT gene. This nucleotide position is highly conserved in available vertebrate species. In silico splice site analysis predicts that this alteration will weaken the native splice donor site. This variant is considered to be rare based on population cohorts in the Genome Aggregation Database (gnomAD). Alterations that disrupt the canonical splice site are expected to cause aberrant splicing, resulting in an abnormal protein or a transcript that is subject to nonsense-mediated mRNA decay. As such, this alteration is classified as likely pathogenic.

Baylor Genetics
Classification: Likely pathogenic for Dyskeratosis congenita, autosomal dominant 2. Last evaluated: 2024-03-26. Review status: criteria provided, single submitter. Criteria: ACMG Guidelines, 2015. Collection method: clinical testing. Allele origin: unknown.